The following is an entry in ClinVar:

NM_139318.5(KCNH5):c.2138T>A (p.Phe713Tyr)

Gene: KCNH5 (potassium voltage-gated channel subfamily H member 5; minus strand). Cytogenetic location: 14q23.2.
Variant type: single nucleotide variant.
Coding change: c.2138T>A on transcript NM_139318.5 (MANE Select); coding-DNA position 2138, T replaced by A.
Protein change: p.Phe713Tyr; replaces phenylalanine 713 with tyrosine.
Molecular consequence: missense variant. On other transcripts: 3 prime UTR variant (1).
Genome position (GRCh38, 1-based): chr14:62,708,337, A>T on the plus strand (T>A on the coding strand, the complement: KCNH5 is on the minus strand). VCF-style: chr14-62708337-A-T. GRCh37 (hg19) VCF-style: chr14-63175055-A-T.
Other names: c.*105T>A (NM_172375.3); short protein forms F713Y.
Identifiers: ClinVar variation 1714438 (VCV001714438.5), dbSNP rs2502654512, ClinGen allele CA390101260.

ClinVar aggregate classification (germline): Uncertain significance (1 of 4 stars; one submission).

Conditions:
Early-infantile DEE. Also called: Early infantile epileptic encephalopathy with suppression bursts; Early infantile epileptic encephalopathy; Ohtahara syndrome. Identifiers: Orphanet 1934, MedGen C0393706, MONDO:0800491.

Allele frequency attached by ClinVar (database versions not stated): gnomAD exomes below 0.00001.
gnomAD v4.1: 1 of 1,614,026 alleles (0.000062%); highest among the groups gnomAD compares: Non-Finnish European, 0.000085%; no homozygotes.

Submission:

Labcorp Genetics (formerly Invitae), Labcorp
Classification: Uncertain significance for Early-infantile DEE. Last evaluated: 2022-10-24. Review status: criteria provided, single submitter. Criteria: Invitae Variant Classification Sherloc (09022015). Collection method: clinical testing. Allele origin: germline.
Comment: In summary, the available evidence is currently insufficient to determine the role of this variant in disease. Therefore, it has been classified as a Variant of Uncertain Significance. Algorithms developed to predict the effect of missense changes on protein structure and function are either unavailable or do not agree on the potential impact of this missense change (SIFT: "Tolerated"; PolyPhen-2: "Possibly Damaging"; Align-GVGD: "Class C0"). This variant has not been reported in the literature in individuals affected with KCNH5-related conditions. This variant is not present in population databases (gnomAD no frequency). This sequence change replaces phenylalanine, which is neutral and non-polar, with tyrosine, which is neutral and polar, at codon 713 of the KCNH5 protein (p.Phe713Tyr).